The following is an entry in ClinVar:

NM_004991.4(MECOM):c.3101A>G (p.Glu1034Gly)

Gene: MECOM (MDS1 and EVI1 complex locus; minus strand). Cytogenetic location: 3q26.2.
Variant type: single nucleotide variant.
Coding change: c.3101A>G on transcript NM_004991.4 (MANE Select); coding-DNA position 3101, A replaced by G.
Protein change: p.Glu1034Gly; replaces glutamic acid 1034 with glycine.
Molecular consequence: missense variant.
Genome position (GRCh38, 1-based): chr3:169,093,021, T>C on the plus strand (A>G on the coding strand, the complement: MECOM is on the minus strand). VCF-style: chr3-169093021-T-C. GRCh37 (hg19) VCF-style: chr3-168810809-T-C.
Other names: c.2732A>G, p.Glu911Gly (NM_001105077.4); c.2537A>G, p.Glu846Gly (NM_001105078.4, NM_001205194.2, NM_001366469.2 and 1 more transcripts); c.2513A>G, p.Glu838Gly (NM_001163999.2, NM_001366470.2); c.2510A>G, p.Glu837Gly (NM_001164000.2, NM_001366471.2, NM_001366472.2); c.3074A>G, p.Glu1025Gly (NM_001366466.2); c.2540A>G, p.Glu847Gly (NM_001366467.2, NM_001366468.2); c.2102A>G, p.Glu701Gly (NM_001366473.2); c.1538A>G, p.Glu513Gly (NM_001366474.2); short protein forms E701G, E838G, E846G, E1034G, E513G, E847G, E1025G, E837G.
Identifiers: ClinVar variation 3871621 (VCV003871621.1).
Genomic context (GRCh38, chr3:169,093,021, plus strand): 5'-TCCTCCACATTCCTGGGAGATTGGCTGCCATGGTTGCTGTTCCCAATGAAATTTCGAATT[T>C]CTGTGAAGTAAGCATCTTCTTTGTCATCCAGAATCGCACCTGTACTTTCCAGTTCAGAAT-3'
Protein context (NP_004982.2, residues 1024-1044): LDDKEDAYFT[Glu1034Gly]IRNFIGNSNH

ClinVar aggregate classification (germline): Uncertain significance (1 of 4 stars; one submission).

Conditions:
Inborn genetic diseases. Identifiers: MedGen C0950123, MeSH D030342.

Submission:

Ambry Genetics
Classification: Uncertain significance for Inborn genetic diseases. Last evaluated: 2024-12-16. Review status: criteria provided, single submitter. Criteria: Ambry Variant Classification Scheme 2023. Collection method: clinical testing. Allele origin: germline.
Comment: The p.E1034G variant (also known as c.3101A>G), located in coding exon 14 of the MECOM gene, results from an A to G substitution at nucleotide position 3101. The glutamic acid at codon 1034 is replaced by glycine, an amino acid with similar properties. This amino acid position is conserved. In addition, the in silico prediction for this alteration is inconclusive. Based on the available evidence, the clinical significance of this variant remains unclear.